The following is an entry in ClinVar:

ClinVar aggregate classification (germline): Uncertain significance (1 of 4 stars; one submission).

Submission:

GeneDx
Classification: Uncertain significance. Last evaluated: 2025-05-08. Review status: criteria provided, single submitter. Criteria: GeneDx Variant Classification Process June 2021. Collection method: clinical testing. Allele origin: germline. Affected: yes.
Comment: Not observed at significant frequency in large population cohorts (gnomAD); In silico analysis suggests that this missense variant does not alter protein structure/function; Has not been previously published as pathogenic or benign to our knowledge

NM_001002295.2(GATA3):c.218A>G (p.Gln73Arg)

Genes: GATA3 (GATA binding protein 3; plus strand), LOC130003278 (ATAC-STARR-seq lymphoblastoid silent region 2118; plus strand). Cytogenetic location: 10p14.
Variant type: single nucleotide variant.
Coding change: c.218A>G on transcript NM_001002295.2 (MANE Select); coding-DNA position 218, A replaced by G.
Protein change: p.Gln73Arg; replaces glutamine 73 with arginine.
Molecular consequence: missense variant.
Genome position (GRCh38, 1-based): chr10:8,055,873, A>G. VCF-style: chr10-8055873-A-G. GRCh37 (hg19) VCF-style: chr10-8097836-A-G.
Other names: c.218A>G, p.Gln73Arg (NM_001441134.1, NM_002051.3, NM_001441115.1 and 18 more transcripts); short protein forms Q73R.
Identifiers: ClinVar variation 4527964 (VCV004527964.1).